The following is an entry in ClinVar:

ClinVar aggregate classification (germline): Uncertain significance (1 of 4 stars; one submission).

Conditions:
Inborn genetic diseases. Identifiers: MedGen C0950123, MeSH D030342.

gnomAD v4.1: 3 of 1,614,006 alleles (0.00019%); highest among the groups gnomAD compares: East Asian, 0.0022%; no homozygotes.

Submission:

Ambry Genetics
Classification: Uncertain significance for Inborn genetic diseases. Last evaluated: 2025-04-07. Review status: criteria provided, single submitter. Criteria: Ambry Variant Classification Scheme 2023. Collection method: clinical testing. Allele origin: germline.
Comment: The p.V549A variant (also known as c.1646T>C), located in coding exon 1 of the SAMD9 gene, results from a T to C substitution at nucleotide position 1646. The valine at codon 549 is replaced by alanine, an amino acid with similar properties. This amino acid position is conserved. In addition, this alteration is predicted to be tolerated by in silico analysis. Based on the available evidence, the clinical significance of this variant remains unclear.

NM_017654.4(SAMD9):c.1646T>C (p.Val549Ala)

Gene: SAMD9 (sterile alpha motif domain containing 9; minus strand). Cytogenetic location: 7q21.2.
Variant type: single nucleotide variant.
Coding change: c.1646T>C on transcript NM_017654.4 (MANE Select); coding-DNA position 1646, T replaced by C.
Protein change: p.Val549Ala; replaces valine 549 with alanine.
Molecular consequence: missense variant.
Genome position (GRCh38, 1-based): chr7:93,104,452, A>G on the plus strand (T>C on the coding strand, the complement: SAMD9 is on the minus strand). VCF-style: chr7-93104452-A-G. GRCh37 (hg19) VCF-style: chr7-92733765-A-G.
Other names: c.1646T>C, p.Val549Ala (NM_001193307.2); short protein forms V549A.
Identifiers: ClinVar variation 3949524 (VCV003949524.1).
Genomic context (GRCh38, chr7:93,104,452, plus strand): 5'-CCTTTGAGATCCTGGTAGAAAGCACAGAAAGTCTCAATGAGGGGATCTCTTGGGTCATCC[A>G]CAGAGGACAGTAATAGAAATACCACCAAAAACTTCCCTCTTGGCATTATGTCTTCATGTG-3'
Protein context (NP_060124.2, residues 539-559): FLVVFLLLSS[Val549Ala]DDPRDPLIET